The following is an entry in ClinVar:

NM_006612.6(KIF1C):c.1719G>A (p.Lys573=)

Genes: KIF1C (kinesin family member 1C; plus strand), KIF1C-AS1 (KIF1C antisense RNA 1; minus strand), LOC126862473 (CDK7 strongly-dependent group 2 enhancer GRCh37_chr17:4923264-4924463; plus strand). Cytogenetic location: 17p13.2.
Variant type: single nucleotide variant.
Coding change: c.1719G>A on transcript NM_006612.6 (MANE Select); coding-DNA position 1719, G replaced by A.
Protein change: p.Lys573=; no amino-acid change (lysine 573 retained).
Molecular consequence: synonymous variant. On other transcripts: non-coding transcript variant (1).
Genome position (GRCh38, 1-based): chr17:5,020,048, G>A. VCF-style: chr17-5020048-G-A. GRCh37 (hg19) VCF-style: chr17-4923343-G-A.
Identifiers: ClinVar variation 2647283 (VCV002647283.24), dbSNP rs2508201980, ClinGen allele CA497538596.

ClinVar aggregate classification (germline): Likely benign (1 of 4 stars; one submission).

Allele frequency attached by ClinVar (database versions not stated): gnomAD exomes below 0.00001.
gnomAD v4.1: 1 of 1,602,914 alleles (0.000062%); highest among the groups gnomAD compares: African/African-American, 0.0013%; no homozygotes.

Submission:

CeGaT Center for Human Genetics Tuebingen
Classification: Likely benign. Last evaluated: 2022-04-01. Review status: criteria provided, single submitter. Criteria: CeGaT Center For Human Genetics Tuebingen Variant Classification Criteria Version 2. Collection method: clinical testing. Allele origin: germline. Affected: yes. Observed: 1 variant allele.
Comment: KIF1C: PM2:Supporting, BP4, BP7